The following is an entry in ClinVar:

NM_001375524.1(TRRAP):c.4046C>T (p.Ala1349Val)

Gene: TRRAP (transformation/transcription domain associated protein; plus strand). Cytogenetic location: 7q22.1.
Variant type: single nucleotide variant.
Coding change: c.4046C>T on transcript NM_001375524.1 (MANE Select); coding-DNA position 4046, C replaced by T.
Protein change: p.Ala1349Val; replaces alanine 1349 with valine.
Molecular consequence: missense variant.
Genome position (GRCh38, 1-based): chr7:98,935,610, C>T. VCF-style: chr7-98935610-C-T. GRCh37 (hg19) VCF-style: chr7-98533233-C-T.
Other names: c.4046C>T, p.Ala1349Val (NM_001244580.2, NM_003496.4); short protein forms A1349V.
Identifiers: ClinVar variation 4741138 (VCV004741138.1).

ClinVar aggregate classification (germline): Uncertain significance (1 of 4 stars; one submission).

gnomAD v4.1: 2 of 1,604,976 alleles (0.00012%); highest among the groups gnomAD compares: East Asian, 0.0045%; no homozygotes.

Submission:

Labcorp Genetics (formerly Invitae), Labcorp
Classification: Uncertain significance. Last evaluated: 2025-04-10. Review status: criteria provided, single submitter. Criteria: Invitae Variant Classification Sherloc (09022015). Collection method: clinical testing. Allele origin: germline.
Comment: This sequence change replaces alanine, which is neutral and non-polar, with valine, which is neutral and non-polar, at codon 1349 of the TRRAP protein (p.Ala1349Val). This variant is not present in population databases (gnomAD no frequency). This variant has not been reported in the literature in individuals affected with TRRAP-related conditions. Invitae Evidence Modeling of protein sequence and biophysical properties (such as structural, functional, and spatial information, amino acid conservation, physicochemical variation, residue mobility, and thermodynamic stability) indicates that this missense variant is not expected to disrupt TRRAP protein function with a negative predictive value of 80%. In summary, the available evidence is currently insufficient to determine the role of this variant in disease. Therefore, it has been classified as a Variant of Uncertain Significance.